The following is an entry in ClinVar:

NM_024548.4(CEP97):c.174A>T (p.Lys58Asn)

Gene: CEP97 (centrosomal protein 97; plus strand). Cytogenetic location: 3q12.3.
Variant type: single nucleotide variant.
Coding change: c.174A>T on transcript NM_024548.4 (MANE Select); coding-DNA position 174, A replaced by T.
Protein change: p.Lys58Asn; replaces lysine 58 with asparagine.
Molecular consequence: missense variant.
Genome position (GRCh38, 1-based): chr3:101,726,724, A>T. VCF-style: chr3-101726724-A-T. GRCh37 (hg19) VCF-style: chr3-101445568-A-T.
Other names: c.174A>T, p.Lys58Asn (NM_001303401.2, NM_001410784.1, NM_001410785.1); short protein forms K58N.
Identifiers: ClinVar variation 3617391 (VCV003617391.2).

ClinVar aggregate classification (germline): Uncertain significance (1 of 4 stars; one submission).

gnomAD v4.1: 1 of 1,603,194 alleles (0.000062%); highest among the groups gnomAD compares: East Asian, 0.0022%; no homozygotes.

Submission:

Labcorp Genetics (formerly Invitae), Labcorp
Classification: Uncertain significance. Last evaluated: 2024-09-08. Review status: criteria provided, single submitter. Criteria: Invitae Variant Classification Sherloc (09022015). Collection method: clinical testing. Allele origin: germline.
Comment: This sequence change replaces lysine, which is basic and polar, with asparagine, which is neutral and polar, at codon 58 of the CEP97 protein (p.Lys58Asn). This variant is present in population databases (rs555958629, gnomAD 0.01%). This variant has not been reported in the literature in individuals affected with CEP97-related conditions. Invitae Evidence Modeling of protein sequence and biophysical properties (such as structural, functional, and spatial information, amino acid conservation, physicochemical variation, residue mobility, and thermodynamic stability) indicates that this missense variant is not expected to disrupt CEP97 protein function with a negative predictive value of 80%. In summary, the available evidence is currently insufficient to determine the role of this variant in disease. Therefore, it has been classified as a Variant of Uncertain Significance.